The following is an entry in ClinVar:

NM_005334.3(HCFC1):c.2109G>A (p.Thr703=)

Gene: HCFC1 (host cell factor C1; minus strand). Cytogenetic location: Xq28.
Variant type: single nucleotide variant.
Coding change: c.2109G>A on transcript NM_005334.3 (MANE Select); coding-DNA position 2109, G replaced by A.
Protein change: p.Thr703=; no amino-acid change (threonine 703 retained).
Molecular consequence: synonymous variant.
Genome position (GRCh38, 1-based): chrX:153,957,806, C>T on the plus strand (G>A on the coding strand, the complement: HCFC1 is on the minus strand). VCF-style: chrX-153957806-C-T. GRCh37 (hg19) VCF-style: chrX-153223257-C-T.
Other names: p.Thr703=.
Identifiers: ClinVar variation 194066 (VCV000194066.31), dbSNP rs3027888, ClinGen allele CA200949.

ClinVar aggregate classification (germline): Benign/Likely benign. Review status: criteria provided, multiple submitters, no conflicts (2 of 4 stars). 9 submissions from 9 submitters: Benign (4); Likely benign (4). 1 of the submissions does not count toward it. Last evaluated 2026-02-02.

Conditions:
HCFC1-related disorder. Also called: HCFC1-related condition.
Methylmalonic acidemia with homocystinuria, type cblX (MAHCX). Also called: INTELLECTUAL DEVELOPMENTAL DISORDER, X-LINKED 3. Identifiers: Orphanet 369962, MedGen C0796208, MONDO:0010657, OMIM 309541.

Allele frequency attached by ClinVar (database versions not stated): 1000 Genomes Project 30x 0.00395; TOPMed 0.00435; 1000 Genomes Project 0.00450; gnomAD 0.00450 and 0.00480; gnomAD exomes 0.00582 and 0.00698; ESP Exome Variant Server 0.00594; ExAC 0.00625.
gnomAD v4.1: 8,138 of 1,205,510 alleles (0.68%); highest among the groups gnomAD compares: Middle Eastern, 1.8%; 27 homozygotes.

Submissions (9):

Labcorp Genetics (formerly Invitae), Labcorp
Classification: Benign for Methylmalonic acidemia with homocystinuria, type cblX. Last evaluated: 2026-02-02. Review status: criteria provided, single submitter. Criteria: Invitae Variant Classification Sherloc (09022015). Collection method: clinical testing. Allele origin: germline.

Mayo Clinic Laboratories, Mayo Clinic
Classification: Likely benign. Last evaluated: 2024-12-23. Review status: criteria provided, single submitter. Criteria: ACMG Guidelines, 2015. Collection method: clinical testing. Allele origin: germline. Observed: 9 variant alleles.
Comment: BS1, BP4, BP7

Blueprint Genetics
Classification: Likely benign. Last evaluated: 2024-11-28. Review status: criteria provided, single submitter. Criteria: ACMG Guidelines, 2015. Collection method: clinical testing. Allele origin: germline.

ARUP Laboratories, Molecular Genetics and Genomics, ARUP Laboratories
Classification: Benign for Methylmalonic acidemia with homocystinuria, type cblX. Last evaluated: 2024-09-23. Review status: criteria provided, single submitter. Criteria: ARUP Molecular Germline Variant Investigation Process 2024. Collection method: clinical testing. Allele origin: germline.

GeneDx
Classification: Benign. Last evaluated: 2016-03-24. Review status: criteria provided, single submitter. Criteria: GeneDx Variant Classification (06012015). Collection method: clinical testing. Allele origin: germline. Affected: yes.
Comment: This variant is considered likely benign or benign based on one or more of the following criteria: it is a conservative change, it occurs at a poorly conserved position in the protein, it is predicted to be benign by multiple in silico algorithms, and/or has population frequency not consistent with disease.

Genetic Services Laboratory, University of Chicago
Classification: Benign. Last evaluated: 2016-03-22. Review status: criteria provided, single submitter. Criteria: ACMG Guidelines, 2015. Collection method: clinical testing. Allele origin: germline. Affected: no.

Eurofins Ntd Llc (ga)
Classification: Likely benign. Last evaluated: 2014-10-01. Review status: criteria provided, single submitter. Criteria: EGL Classification Definitions 2015. Collection method: clinical testing. Allele origin: germline. Observed: 2 variant alleles, 1 heterozygote, 1 hemizygote.

Breakthrough Genomics
Classification: Likely benign. Review status: criteria provided, single submitter. Criteria: ACMG Guidelines, 2015. Collection method: not provided. Allele origin: germline. Inheritance: X-linked inheritance. Affected: yes.

PreventionGenetics, part of Exact Sciences
Classification: Benign for HCFC1-related condition. Last evaluated: 2024-06-10. Review status: no assertion criteria provided. Collection method: clinical testing. Allele origin: germline. Not counted in ClinVar's aggregate classification.
Comment: This variant is classified as benign based on ACMG/AMP sequence variant interpretation guidelines (Richards et al. 2015 PMID: 25741868, with internal and published modifications).